The following is an entry in ClinVar:

NM_000465.4(BARD1):c.1072C>G (p.Pro358Ala)

Gene: BARD1 (BRCA1 associated RING domain 1; minus strand). Cytogenetic location: 2q35.
Variant type: single nucleotide variant.
Coding change: c.1072C>G on transcript NM_000465.4 (MANE Select); coding-DNA position 1072, C replaced by G.
Protein change: p.Pro358Ala; replaces proline 358 with alanine.
Molecular consequence: missense variant. On other transcripts: non-coding transcript variant (2), intron variant (3).
Genome position (GRCh38, 1-based): chr2:214,780,802, G>C on the plus strand (C>G on the coding strand, the complement: BARD1 is on the minus strand). VCF-style: chr2-214780802-G-C. GRCh37 (hg19) VCF-style: chr2-215645526-G-C.
Other names: c.1015C>G, p.Pro339Ala (NM_001282543.2); c.159-28247C>G (NM_001282548.2); c.215+16259C>G (NM_001282545.2); c.364+11495C>G (NM_001282549.2); short protein forms P358A, P339A.
Identifiers: ClinVar variation 4196230 (VCV004196230.1).

ClinVar aggregate classification (germline): Uncertain significance (1 of 4 stars; one submission).

Conditions:
Hereditary cancer-predisposing syndrome. Also called: Neoplastic Syndromes, Hereditary; Tumor predisposition; Hereditary Cancer Syndrome; Hereditary neoplastic syndrome. Identifiers: Orphanet 140162, MedGen C0027672, MeSH D009386, MONDO:0015356.

Submission:

Ambry Genetics
Classification: Uncertain significance for Hereditary cancer-predisposing syndrome. Last evaluated: 2025-08-09. Review status: criteria provided, single submitter. Criteria: Ambry Variant Classification Scheme 2023. Collection method: clinical testing. Allele origin: germline.
Comment: The p.P358A variant (also known as c.1072C>G), located in coding exon 4 of the BARD1 gene, results from a C to G substitution at nucleotide position 1072. The proline at codon 358 is replaced by alanine, an amino acid with highly similar properties. This amino acid position is conserved. In addition, this alteration is predicted to be tolerated by in silico analysis. Based on the available evidence, the clinical significance of this variant remains unclear.